The following continues an entry in ClinVar:

NM_000059.4(BRCA2):c.5218_5223del (p.Leu1740_Ser1741del)

Gene: BRCA2. ClinVar aggregate classification (germline): Conflicting classifications of pathogenicity. Uncertain significance (7); Likely benign (1).

Submission 11 of 11:

Department of Pathology and Laboratory Medicine, Sinai Health System
Classification: Uncertain significance for Malignant tumor of breast. Review status: no assertion criteria provided. Collection method: clinical testing. Allele origin: unknown. Affected: yes. Observed: 2 variant alleles. Study: The Canadian Open Genetics Repository (COGR). Not counted in ClinVar's aggregate classification.
Comment: The BRCA2 p.Leu1740_Ser1741del variant was identified in 1 of 1302 proband chromosomes (frequency: 0.001) from individuals or families with breast cancer (Kwong 2012). The variant was also identified in dbSNP (ID: rs757271988) as â€šÃ„ÃºNAâ€šÃ„Ã¹, the ClinVar database (as Uncertain Significance by Invitae, Ambry, BIC, and GeneDx), ARUP Laboratories BRCA Mutations Database (definitely pathogenic), GeneInsight COGR database (VUS by two clinical laboratories), and UMD (3x as unclassified variant). This variant has been identified by our laboratory twice, both time is Asian individuals with a medical or family history suggestive of a predisposition to breast cancer. The variant is located within a repetitive region of the BRCA2 protein that has been shown to be a binding site for RAD51 however it is unclear if this deletion would disrupt such protein binding (Buisson 2014 24485656). The variant was identified control databases in the Exome Aggregation consortium (Aug 8 2016) and the Genome Aggregation Database (Oct 3, 2017) in 7 of 274938 chromosomes (freq. 0.00003). Specifically the variant was observed in the East Asian population in 6 of 18834 chromosomes (freq. 0.0003) and in South Asians in 1 of 30140 (freq. 0.00003) while the variant was not observed in the European Non-Finnish, Ashkenazi Jewish, â€šÃ„ÃºOtherâ€šÃ„Ã¹, African, Latino or Finnish populations. The variant occurs outside of the splicing consensus sequence and 2 of 5 in silico or computational prediction software programs (SpliceSiteFinder, MaxEntScan, NNSPLICE, GeneSplicer, HumanSpliceFinder) predict a greater than 10% difference in splicing; this is not very predictive of pathogenicity. This variant is an in-frame deletion resulting in the removal of a Leucine and a Serine residue at codons 1740 and 1741; the impact of this alteration on BRCA2 protein function is not known. In summary, based on the above information, the clinical significance of this variant cannot be determined with certainty at this time. This variant is classified as a variant of uncertain significance.

Literature cited by the submitters: PubMed 22970155 (cited by 4 submitters); PubMed 26187060 (cited by Labcorp Genetics (formerly Invitae), Labcorp and Quest Diagnostics Nichols Institute San Juan Capistrano); PubMed 31825140 (cited by Labcorp Genetics (formerly Invitae), Labcorp and Quest Diagnostics Nichols Institute San Juan Capistrano); PubMed 34235180 (cited by Labcorp Genetics (formerly Invitae), Labcorp and Women's Health and Genetics/Laboratory Corporation of America, LabCorp); PubMed 18779604 (cited by 3 submitters); PubMed 27157322 (cited by Women's Health and Genetics/Laboratory Corporation of America, LabCorp); PubMed 28664449 (cited by Women's Health and Genetics/Laboratory Corporation of America, LabCorp and Quest Diagnostics Nichols Institute San Juan Capistrano); PubMed 36964191 (cited by Women's Health and Genetics/Laboratory Corporation of America, LabCorp and Quest Diagnostics Nichols Institute San Juan Capistrano); PubMed 36627197 (cited by Women's Health and Genetics/Laboratory Corporation of America, LabCorp and Quest Diagnostics Nichols Institute San Juan Capistrano); PubMed 38566028 (cited by Women's Health and Genetics/Laboratory Corporation of America, LabCorp); PubMed 38003901 (cited by 3 submitters); PubMed 30702160 (cited by Ambry Genetics and Quest Diagnostics Nichols Institute San Juan Capistrano); PubMed 32885271 (cited by Ambry Genetics and Quest Diagnostics Nichols Institute San Juan Capistrano); PubMed 32467295 (cited by Quest Diagnostics Nichols Institute San Juan Capistrano); PubMed 32566972 (cited by Quest Diagnostics Nichols Institute San Juan Capistrano); PubMed 26635394 (cited by Quest Diagnostics Nichols Institute San Juan Capistrano and Counsyl).